The following is an entry in ClinVar:

NM_000548.5(TSC2):c.292dup (p.Arg98fs)

Gene: TSC2 (TSC complex subunit 2; plus strand). Cytogenetic location: 16p13.3.
Variant type: Duplication.
Coding change: c.292dup on transcript NM_000548.5 (MANE Select); coding-DNA position 292, one base duplicated (C; older notation c.292dupC).
Protein change: p.Arg98fs; shifts the reading frame from arginine 98.
Molecular consequence: frameshift variant. On other transcripts: 5 prime UTR variant (14), non-coding transcript variant (5), intron variant (9).
Genome position (GRCh38, 1-based): chr16:2,053,408, C duplicated; the last of 3 consecutive C bases (chr16:2,053,406-2,053,408); duplicating any one gives the same sequence. VCF-style (leftmost placement, unchanged base first): chr16-2053405-G-GC. GRCh37 (hg19) VCF-style: chr16-2103406-G-GC.
Other names: c.292dup, p.Arg98fs (NM_001077183.3, NM_001114382.3, NM_001363528.2 and 10 more transcripts); c.145dup, p.Arg49fs (NM_001318829.2, NM_001406675.1, NM_001406676.1 and 2 more transcripts); c.325dup, p.Arg109fs (NM_001318832.2); c.-525dup (NM_001406680.1, NM_001406683.1, NM_001406687.1); c.-154dup (NM_001406681.1); c.-1140dup (NM_001406689.1, NM_001406690.1, NM_001406691.1 and 2 more transcripts); c.-1446dup (NM_001406693.1); c.-1021dup (NM_001406694.1, NM_001406695.1); and 4 more; short protein forms R49fs, R98fs, R109fs.
Identifiers: ClinVar variation 4720561 (VCV004720561.1).

ClinVar aggregate classification (germline): Pathogenic (1 of 4 stars; one submission).

Conditions:
Tuberous sclerosis 2 (TSC2). Identifiers: Orphanet 805, MedGen C1860707, MONDO:0013199, OMIM 613254.

Submission:

Labcorp Genetics (formerly Invitae), Labcorp
Classification: Pathogenic for Tuberous sclerosis 2. Last evaluated: 2025-06-01. Review status: criteria provided, single submitter. Criteria: Invitae Variant Classification Sherloc (09022015). Collection method: clinical testing. Allele origin: germline.
Comment: This sequence change creates a premature translational stop signal (p.Arg98Profs*28) in the TSC2 gene. It is expected to result in an absent or disrupted protein product. Loss-of-function variants in TSC2 are known to be pathogenic (PMID: 10205261, 17304050). This variant is not present in population databases (gnomAD no frequency). This variant has not been reported in the literature in individuals affected with TSC2-related conditions. For these reasons, this variant has been classified as Pathogenic.

Literature cited by the submitters: PubMed 10205261; PubMed 17304050.